The following is an entry in ClinVar:

NM_001378454.1(ALMS1):c.10772C>T (p.Thr3591Ile)

Gene: ALMS1 (ALMS1 centrosome and basal body associated protein; plus strand). Cytogenetic location: 2p13.1.
Variant type: single nucleotide variant.
Coding change: c.10772C>T on transcript NM_001378454.1 (MANE Select); coding-DNA position 10772, C replaced by T.
Protein change: p.Thr3591Ile; replaces threonine 3591 with isoleucine.
Molecular consequence: missense variant.
Genome position (GRCh38, 1-based): chr2:73,572,649, C>T. VCF-style: chr2-73572649-C-T. GRCh37 (hg19) VCF-style: chr2-73799776-C-T.
Other names: c.10775C>T, p.Thr3592Ile (NM_015120.4); short protein forms T3592I, T3591I.
Identifiers: ClinVar variation 1427420 (VCV001427420.8), dbSNP rs773091397, ClinGen allele CA347285395.

ClinVar aggregate classification (germline): Uncertain significance. Review status: criteria provided, multiple submitters, no conflicts (2 of 4 stars). 3 submissions from 3 submitters: Uncertain significance (3). Last evaluated 2025-11-25.

Conditions:
Alstrom syndrome (ALMS). Identifiers: Orphanet 64, MedGen C0268425, MONDO:0008763, OMIM 203800.
Cardiovascular phenotype. Identifiers: MedGen CN230736.

gnomAD v4.1: 2 of 1,613,044 alleles (0.00012%); highest among the groups gnomAD compares: Admixed American, 0.0017%; no homozygotes.

Submissions (3):

GeneDx
Classification: Uncertain significance. Last evaluated: 2025-11-25. Review status: criteria provided, single submitter. Criteria: GeneDx Variant Classification Process June 2021. Collection method: clinical testing. Allele origin: germline.
Comment: Not observed at significant frequency in large population cohorts (gnomAD); In silico analysis supports that this missense variant has a deleterious effect on protein structure/function; Has not been previously published as pathogenic or benign to our knowledge

Labcorp Genetics (formerly Invitae), Labcorp
Classification: Uncertain significance for Alstrom syndrome. Last evaluated: 2025-11-25. Review status: criteria provided, single submitter. Criteria: Invitae Variant Classification Sherloc (09022015). Collection method: clinical testing. Allele origin: germline.
Comment: This sequence change replaces threonine, which is neutral and polar, with isoleucine, which is neutral and non-polar, at codon 3592 of the ALMS1 protein (p.Thr3592Ile). This variant is not present in population databases (gnomAD no frequency). This variant has not been reported in the literature in individuals affected with ALMS1-related conditions. ClinVar contains an entry for this variant (Variation ID: 1427420). Experimental studies and prediction algorithms are not available or were not evaluated, and the functional significance of this variant is currently unknown. In summary, the available evidence is currently insufficient to determine the role of this variant in disease. Therefore, it has been classified as a Variant of Uncertain Significance.

Ambry Genetics
Classification: Uncertain significance for Cardiovascular phenotype. Last evaluated: 2020-11-12. Review status: criteria provided, single submitter. Criteria: Ambry Variant Classification Scheme 2023. Collection method: clinical testing. Allele origin: germline.
Comment: The p.T3592I variant (also known as c.10775C>T), located in coding exon 16 of the ALMS1 gene, results from a C to T substitution at nucleotide position 10775. The threonine at codon 3592 is replaced by isoleucine, an amino acid with similar properties. This amino acid position is well conserved in available vertebrate species. In addition, this alteration is predicted to be tolerated by in silico analysis. Since supporting evidence is limited at this time, the clinical significance of this alteration remains unclear.